The following is an entry in ClinVar:

NM_004924.6(ACTN4):c.1045G>A (p.Glu349Lys)

Gene: ACTN4 (actinin alpha 4; plus strand). Cytogenetic location: 19q13.2.
Variant type: single nucleotide variant.
Coding change: c.1045G>A on transcript NM_004924.6 (MANE Select); coding-DNA position 1045, G replaced by A.
Protein change: p.Glu349Lys; replaces glutamic acid 349 with lysine.
Molecular consequence: missense variant.
Genome position (GRCh38, 1-based): chr19:38,717,218, G>A. VCF-style: chr19-38717218-G-A. GRCh37 (hg19) VCF-style: chr19-39207858-G-A.
Other names: c.1045G>A, p.Glu349Lys (NM_001322033.2, NM_001411143.1, NM_001440296.1 and 2 more transcripts); c.793G>A, p.Glu265Lys (NM_001440299.1); short protein forms E265K, E349K.
Identifiers: ClinVar variation 4083095 (VCV004083095.2).

ClinVar aggregate classification (germline): Uncertain significance. Review status: criteria provided, multiple submitters, no conflicts (2 of 4 stars). 2 submissions from 2 submitters: Uncertain significance (2). Last evaluated 2025-08-02.

Conditions:
Inborn genetic diseases. Identifiers: MedGen C0950123, MeSH D030342.

Submissions (2):

Ambry Genetics
Classification: Uncertain significance for Inborn genetic diseases. Last evaluated: 2025-08-02. Review status: criteria provided, single submitter. Criteria: Ambry Variant Classification Scheme 2023. Collection method: clinical testing. Allele origin: germline.

GeneDx
Classification: Uncertain significance. Last evaluated: 2025-03-10. Review status: criteria provided, single submitter. Criteria: GeneDx Variant Classification Process June 2021. Collection method: clinical testing. Allele origin: germline. Affected: yes.
Comment: Not observed at significant frequency in large population cohorts (gnomAD); In silico analysis supports that this missense variant has a deleterious effect on protein structure/function; Has not been previously published as pathogenic or benign to our knowledge